The following is an entry in ClinVar:

NM_000755.5(CRAT):c.1665+5_1665+9del

Gene: CRAT (carnitine O-acetyltransferase; minus strand). Cytogenetic location: 9q34.11.
Variant type: Deletion.
Coding change: c.1665+5_1665+9del on transcript NM_000755.5 (MANE Select); bases 5 to 9 of the intron after coding-DNA position 1665, 5 bases deleted (GCCAC; older notation c.1665+5_1665+9delGCCAC).
Molecular consequence: intron variant.
Genome position (GRCh38, 1-based): chr9:129,095,989-129,095,993, GTGGC deleted on the plus strand (GCCAC on the coding strand, the reverse complement: CRAT is on the minus strand). VCF-style (leftmost placement, unchanged base first): chr9-129095988-AGTGGC-A. GRCh37 (hg19) VCF-style: chr9-131858267-AGTGGC-A.
Other names: c.1545+5_1545+9del (NM_001346549.2); c.1593+77_1593+81del (NM_001346547.2); c.1530+77_1530+81del (NM_001346548.2); c.1602+5_1602+9del (NM_001257363.3, NM_004003.4); c.1668+5_1668+9del (NM_001346546.2).
Identifiers: ClinVar variation 2135085 (VCV002135085.4), dbSNP rs2490692930, ClinGen allele CA2580079780.

ClinVar aggregate classification (germline): Uncertain significance (1 of 4 stars; one submission).

Submission:

Labcorp Genetics (formerly Invitae), Labcorp
Classification: Uncertain significance. Last evaluated: 2022-05-07. Review status: criteria provided, single submitter. Criteria: Invitae Variant Classification Sherloc (09022015). Collection method: clinical testing. Allele origin: germline.
Comment: This variant has not been reported in the literature in individuals affected with CRAT-related conditions. This variant is not present in population databases (gnomAD no frequency). This sequence change falls in intron 13 of the CRAT gene. It does not directly change the encoded amino acid sequence of the CRAT protein. It affects a nucleotide within the consensus splice site. Variants that disrupt the consensus splice site are a relatively common cause of aberrant splicing (PMID: 17576681, 9536098). Algorithms developed to predict the effect of sequence changes on RNA splicing suggest that this variant may create or strengthen a splice site. In summary, the available evidence is currently insufficient to determine the role of this variant in disease. Therefore, it has been classified as a Variant of Uncertain Significance.

Literature cited by the submitters: PubMed 17576681; PubMed 9536098.